The following is an entry in ClinVar:

NM_174878.3(CLRN1):c.682G>A (p.Ala228Thr)

Gene: CLRN1 (clarin 1; minus strand). Cytogenetic location: 3q25.1.
Variant type: single nucleotide variant.
Coding change: c.682G>A on transcript NM_174878.3 (MANE Select); coding-DNA position 682, G replaced by A.
Protein change: p.Ala228Thr; replaces alanine 228 with threonine.
Molecular consequence: missense variant. On other transcripts: 3 prime UTR variant (1), non-coding transcript variant (1), intron variant (1).
Genome position (GRCh38, 1-based): chr3:150,927,953, C>T on the plus strand (G>A on the coding strand, the complement: CLRN1 is on the minus strand). VCF-style: chr3-150927953-C-T. GRCh37 (hg19) VCF-style: chr3-150645740-C-T.
Other names: c.721G>A, p.Ala241Thr (NM_001195794.1); c.*296G>A (NM_001256819.2); c.342+112G>A (NM_052995.2); short protein forms A228T, A241T.
Identifiers: ClinVar variation 1445219 (VCV001445219.5), dbSNP rs1023266011, ClinGen allele CA85680671.

ClinVar aggregate classification (germline): Uncertain significance (1 of 4 stars; one submission).

Allele frequency attached by ClinVar (database versions not stated): gnomAD exomes 0.00001 and 0.00002; TOPMed 0.00001.

Submission:

Labcorp Genetics (formerly Invitae), Labcorp
Classification: Uncertain significance. Last evaluated: 2021-08-24. Review status: criteria provided, single submitter. Criteria: Invitae Variant Classification Sherloc (09022015). Collection method: clinical testing. Allele origin: germline.
Comment: This sequence change replaces alanine with threonine at codon 228 of the CLRN1 protein (p.Ala228Thr). The alanine residue is highly conserved and there is a small physicochemical difference between alanine and threonine. This variant is not present in population databases (ExAC no frequency). This variant has not been reported in the literature in individuals affected with CLRN1-related conditions. Algorithms developed to predict the effect of missense changes on protein structure and function (SIFT, PolyPhen-2, Align-GVGD) all suggest that this variant is likely to be tolerated. In summary, the available evidence is currently insufficient to determine the role of this variant in disease. Therefore, it has been classified as a Variant of Uncertain Significance.